The following is an entry in ClinVar:

ClinVar aggregate classification (germline): Uncertain significance. Review status: criteria provided, multiple submitters, no conflicts (2 of 4 stars). 2 submissions from 2 submitters: Uncertain significance (2). Last evaluated 2025-12-08.

Conditions:
Inborn genetic diseases. Identifiers: MedGen C0950123, MeSH D030342.
Dyskeratosis congenita, autosomal recessive 6 (DKCB6). Identifiers: MedGen C4225356, MONDO:0014600, OMIM 616353.
Pulmonary fibrosis and/or bone marrow failure, Telomere-related, 4. Also called: PULMONARY FIBROSIS AND/OR BONE MARROW FAILURE SYNDROME, TELOMERE-RELATED, 4. Identifiers: Orphanet 2032, MedGen C4225347, MONDO:0014612, OMIM 616371.

Allele frequency attached by ClinVar (database versions not stated): ExAC 0.00013; 1000 Genomes Project 30x 0.00016; gnomAD 0.00002 and 0.00001; gnomAD exomes 0.00004 and 0.00010.
gnomAD v4.1: 64 of 1,610,574 alleles (0.004%); highest among the groups gnomAD compares: South Asian, 0.056%; no homozygotes.

Submissions (2):

Labcorp Genetics (formerly Invitae), Labcorp
Classification: Uncertain significance for Dyskeratosis congenita, autosomal recessive 6; Pulmonary fibrosis and/or bone marrow failure, Telomere-related, 4. Last evaluated: 2025-12-08. Review status: criteria provided, single submitter. Criteria: Invitae Variant Classification Sherloc (09022015). Collection method: clinical testing. Allele origin: germline.
Comment: This sequence change replaces threonine, which is neutral and polar, with methionine, which is neutral and non-polar, at codon 172 of the PARN protein (p.Thr172Met). This variant is present in population databases (rs201180499, gnomAD 0.07%). This variant has not been reported in the literature in individuals affected with PARN-related conditions. ClinVar contains an entry for this variant (Variation ID: 1026049). Invitae Evidence Modeling of protein sequence and biophysical properties (such as structural, functional, and spatial information, amino acid conservation, physicochemical variation, residue mobility, and thermodynamic stability) indicates that this missense variant is not expected to disrupt PARN protein function with a negative predictive value of 80%. In summary, the available evidence is currently insufficient to determine the role of this variant in disease. Therefore, it has been classified as a Variant of Uncertain Significance.

Ambry Genetics
Classification: Uncertain significance for Inborn genetic diseases. Last evaluated: 2025-09-11. Review status: criteria provided, single submitter. Criteria: Ambry Variant Classification Scheme 2023. Collection method: clinical testing. Allele origin: germline.

NM_002582.4(PARN):c.515C>T (p.Thr172Met)

Gene: PARN (poly(A)-specific ribonuclease; minus strand). Cytogenetic location: 16p13.12.
Variant type: single nucleotide variant.
Coding change: c.515C>T on transcript NM_002582.4 (MANE Select); coding-DNA position 515, C replaced by T.
Protein change: p.Thr172Met; replaces threonine 172 with methionine.
Molecular consequence: missense variant.
Genome position (GRCh38, 1-based): chr16:14,610,683, G>A on the plus strand (C>T on the coding strand, the complement: PARN is on the minus strand). VCF-style: chr16-14610683-G-A. GRCh37 (hg19) VCF-style: chr16-14704540-G-A.
Other names: c.515C>T (NM_002582.3); c.332C>T, p.Thr111Met (NM_001134477.3); c.377C>T, p.Thr126Met (NM_001242992.2); short protein forms T111M, T126M, T172M.
Identifiers: ClinVar variation 1026049 (VCV001026049.10), dbSNP rs201180499, ClinGen allele CA7912399.